The following is an entry in ClinVar:

ClinVar aggregate classification (germline): Pathogenic. Review status: criteria provided, multiple submitters, no conflicts (2 of 4 stars). 2 submissions from 2 submitters: Pathogenic (2). Last evaluated 2023-08-09.

Conditions:
Hereditary cancer-predisposing syndrome. Also called: Hereditary Cancer Syndrome; Neoplastic Syndromes, Hereditary; Hereditary neoplastic syndrome; Tumor predisposition. Identifiers: Orphanet 140162, MedGen C0027672, MeSH D009386, MONDO:0015356.
Lynch syndrome 5 (LYNCH5). Also called: Hereditary non-polyposis colorectal cancer, type 5; Colorectal cancer, hereditary nonpolyposis, type 5. Identifiers: Orphanet 144, MedGen C1833477, MONDO:0013710, OMIM 614350. Disease mechanism: loss of function.

Submissions (2):

Myriad Genetics, Inc.
Classification: Pathogenic for Lynch syndrome 5. Last evaluated: 2023-08-09. Review status: criteria provided, single submitter. Criteria: Myriad Autosomal Dominant, Autosomal Recessive and X-Linked Classification Criteria (2023). Collection method: clinical testing. Allele origin: unknown.
Comment: This variant is considered pathogenic. This variant creates a frameshift predicted to result in premature protein truncation.

Ambry Genetics
Classification: Pathogenic for Hereditary cancer-predisposing syndrome. Last evaluated: 2014-04-04. Review status: criteria provided, single submitter. Criteria: Ambry Autosomal Dominant and X-Linked criteria (10/2015). Collection method: clinical testing. Allele origin: germline. Observed: 1 variant allele.
Comment: Ã¢â‚¬â€¹The c.151_167dup17 pathogenic mutation, located in coding exon 1 of the MSH6 gene, results from a duplication of 17 nucleotides at position 151 to 167, causing a translational frameshift with a predicted alternate stop codon. Since frameshifts are typically deleterious in nature, this alteration is interpreted as a disease-causing mutation (ACMG Recommendations for Standards for Interpretation and Reporting of Sequence Variations. Revision 2007. Genet Med. 2008;10:294).

NM_000179.3(MSH6):c.151_167dup (p.Pro57fs)

Gene: MSH6 (mutS homolog 6; plus strand). Cytogenetic location: 2p16.3.
Variant type: Duplication.
Coding change: c.151_167dup on transcript NM_000179.3 (MANE Select); coding-DNA positions 151 to 167, 17 bases duplicated (AGCGAGGCTGGGCCTGG).
Protein change: p.Pro57fs; shifts the reading frame from proline 57.
Molecular consequence: frameshift variant. On other transcripts: 5 prime UTR variant (1).
Genome position (GRCh38, 1-based): chr2:47,783,384-47,783,400, AGCGAGGCTGGGCCTGG duplicated; duplicating any 17 consecutive bases within chr2:47,783,377-47,783,400 gives the same sequence; the c. name uses the placement nearest the transcript's 3' end. VCF-style (leftmost placement, unchanged base first): chr2-47783376-C-CGGCCTGGAGCGAGGCTG. GRCh37 (hg19) VCF-style: chr2-48010515-C-CGGCCTGGAGCGAGGCTG.
Other names: c.151_167dup, p.Pro57fs (NM_001281492.2); c.-586_-570dup (NM_001281493.2); short protein forms P57fs.
Identifiers: ClinVar variation 428302 (VCV000428302.4), dbSNP rs1553408267, ClinGen allele CA645369229.
Genomic context (GRCh38, chr2:47,783,376, plus strand): 5'-CACGCGAAGGCGGCCGTGCCGCCGCTGCCCCCGGGGCCTCTCCTTCCCCAGGCGGGGATG[C>CGGCCTGGAGCGAGGCTG]GGCCTGGAGCGAGGCTGGGCCTGGGCCCAGGCCCTTGGCGCGCTCCGCGTCACCGCCCAA-3'